The following is an entry in ClinVar:

ClinVar aggregate classification (germline): Pathogenic/Likely pathogenic. Review status: criteria provided, multiple submitters, no conflicts (2 of 4 stars). 2 submissions from 2 submitters: Pathogenic (1); Likely pathogenic (1). Last evaluated 2026-01-27.

Conditions:
Leukoencephalopathy with vanishing white matter 5 (VWM5). Also called: EIF2B5-Related Childhood Ataxia with Central Nervous System Hypomyelination/Vanishing White Matter; Leukoencephalopathy with vanishing white matter 5, with or without ovarian failure. Identifiers: MedGen C5779973, MONDO:0957873, OMIM 620315.

Allele frequency attached by ClinVar (database versions not stated): gnomAD exomes below 0.00001; ExAC 0.00001; ESP Exome Variant Server 0.00008.
gnomAD v4.1: 1 of 1,614,166 alleles (0.000062%); highest among the groups gnomAD compares: Non-Finnish European, 0.000085%; no homozygotes.

Submissions (2):

3billion
Classification: Likely pathogenic for Leukoencephalopathy with vanishing white matter 5. Last evaluated: 2026-01-27. Review status: criteria provided, single submitter. Criteria: ACMG Guidelines, 2015. Collection method: clinical testing. Allele origin: germline. Affected: yes.
Comment: The variant is observed at an extremely low frequency in the gnomAD v4.1.0 dataset (total allele frequency: <0.001%). Predicted Consequence/Location: Missense variant Functional studies provide moderate evidence of the variant having a damaging effect on the gene or gene product (PMID: 21560189). In silico tool predictions suggest damaging effect of the variant on gene or gene product [REVEL: 0.86 (>=0.6, sensitivity 0.68 and specificity 0.92); 3Cnet: 0.96 (> 0.75, sensitivity 0.96 and precision 0.92)]. The same nucleotide change resulting in the same amino acid change has been previously reported to be associated with EIF2B5-related disorder (ClinVar ID: VCV001451172 /PMID: 15136673).The variant has been reported to be in trans with a pathogenic variant as either compound heterozygous or homozygous in at least one similarly affected unrelated individual (PMID: 15136673). A different missense change at the same codon (p.Arg136His) has been reported as pathogenic/likely pathogenic with strong evidence (ClinVar ID: VCV000802032 /PMID: 16041584 /3billion dataset). Therefore, this variant is classified as Likely pathogenic according to the recommendation of ACMG/AMP guideline.

Labcorp Genetics (formerly Invitae), Labcorp
Classification: Pathogenic. Last evaluated: 2023-11-02. Review status: criteria provided, single submitter. Criteria: Invitae Variant Classification Sherloc (09022015). Collection method: clinical testing. Allele origin: germline.
Comment: This sequence change replaces arginine, which is basic and polar, with cysteine, which is neutral and slightly polar, at codon 136 of the EIF2B5 protein (p.Arg136Cys). This variant is present in population databases (rs113994051, gnomAD 0.0009%). This missense change has been observed in individuals with clinical features of leukoencephalopathy with vanishing white matter (PMID: 15136673, 21560189, 25089094). ClinVar contains an entry for this variant (Variation ID: 1451172). Advanced modeling of protein sequence and biophysical properties (such as structural, functional, and spatial information, amino acid conservation, physicochemical variation, residue mobility, and thermodynamic stability) performed at Invitae indicates that this missense variant is expected to disrupt EIF2B5 protein function with a positive predictive value of 80%. Experimental studies have shown that this missense change affects EIF2B5 function (PMID: 21560189). This variant disrupts the p.Arg136 amino acid residue in EIF2B5. Other variant(s) that disrupt this residue have been determined to be pathogenic (PMID: 16041584, 20826436, 25230711). This suggests that this residue is clinically significant, and that variants that disrupt this residue are likely to be disease-causing. For these reasons, this variant has been classified as Pathogenic.

Literature cited by the submitters: PubMed 16041584 (cited by 3billion and Labcorp Genetics (formerly Invitae), Labcorp); PubMed 21560189 (cited by 3billion and Labcorp Genetics (formerly Invitae), Labcorp); PubMed 15136673 (cited by 3billion and Labcorp Genetics (formerly Invitae), Labcorp); PubMed 25089094 (cited by Labcorp Genetics (formerly Invitae), Labcorp); PubMed 20826436 (cited by Labcorp Genetics (formerly Invitae), Labcorp); PubMed 25230711 (cited by Labcorp Genetics (formerly Invitae), Labcorp).

NM_003907.3(EIF2B5):c.406C>T (p.Arg136Cys)

Gene: EIF2B5 (eukaryotic translation initiation factor 2B subunit epsilon; plus strand). Cytogenetic location: 3q27.1.
Variant type: single nucleotide variant.
Coding change: c.406C>T on transcript NM_003907.3 (MANE Select); coding-DNA position 406, C replaced by T.
Protein change: p.Arg136Cys; replaces arginine 136 with cysteine.
Molecular consequence: missense variant.
Genome position (GRCh38, 1-based): chr3:184,137,705, C>T. VCF-style: chr3-184137705-C-T. GRCh37 (hg19) VCF-style: chr3-183855493-C-T.
Other names: short protein forms R136C.
Identifiers: ClinVar variation 1451172 (VCV001451172.9), dbSNP rs113994051, ClinGen allele CA2726386.
Genomic context (GRCh38, chr3:184,137,705, plus strand): 5'-TCTCTCAATGTGGTTCGAATAATTACATCAGAGCTCTATCGATCACTGGGAGATGTCCTC[C>T]GTGATGTTGATGCCAAGGCTTTGGTGCGCTCTGACTTTCTTCTGGTGTATGGGGATGTCA-3'
Protein context (NP_003898.2, residues 126-146): ELYRSLGDVL[Arg136Cys]DVDAKALVRS